The following is an entry in ClinVar:

ClinVar aggregate classification (germline): Pathogenic/Likely pathogenic. Review status: criteria provided, multiple submitters, no conflicts (2 of 4 stars). 13 submissions from 13 submitters: Pathogenic (4); Likely pathogenic (8). 1 of the submissions does not count toward it. Last evaluated 2025-10-15.

Conditions:
Developmental and epileptic encephalopathy, 1 (DEE1). Also called: INFANTILE SPASM SYNDROME, X-LINKED 1; X-linked infantile spasms; West's syndrome; Tonic spasms with clustering, arrest of psychomotor development and hypsarrhythmia on EEG; X-Linked Infantile Spasm Syndrome; Epileptic encephalopathy, early infantile, 1. Identifiers: MedGen C3463992, MONDO:0010632, OMIM 308350. Disease mechanism: loss of function.
Autosomal dominant nonsyndromic hearing loss 65. Also called: Deafness, autosomal dominant 65; TBC1D24-Related Autosomal Dominant Nonsyndromic Hearing Loss (DFNA). Identifiers: Orphanet 90635, MedGen C3892048, MONDO:0014470, OMIM 616044.
TBC1D24-related disorder. Also called: TBC1D24-related disorders; TBC1D24-related condition. Identifiers: MedGen CN381194.
DOORS syndrome (DOORS). Also called: DOORS Syndrome (Deafness, Onychodystrophy, Osteodystrophy, Mental Retardation, and Seizures); DOOR SYNDROME; DRC SYNDROME; BRACHYDACTYLY DUE TO ABSENCE OF DISTAL PHALANGES; ERONEN SYNDROME; Digitorenocerebral syndrome. Identifiers: Orphanet 3231, Orphanet 79500, MedGen C0795934, MONDO:0009079, OMIM 220500. Disease mechanism: loss of function.
Inborn genetic diseases. Identifiers: MedGen C0950123, MeSH D030342.
Rare genetic deafness. Identifiers: Orphanet 96210, MedGen C5680250.
Developmental and epileptic encephalopathy, 16 (DEE16). Also called: TBC1D24-Related Developmental and Epileptic Encephalopathy (DEE); Early infantile epileptic encephalopathy 16. Identifiers: Orphanet 293181, Orphanet 352596, MedGen C3809173, MONDO:0014133, OMIM 615338.
Familial infantile myoclonic epilepsy (FIME). Also called: TBC1D24-Related Familial Infantile Myoclonic Epilepsy (FIME); Epilepsy, Myoclonic, Infantile. Identifiers: Orphanet 352582, MedGen C0917800, MONDO:0011506, OMIM 605021.
Autosomal recessive nonsyndromic hearing loss 86 (DFNB86). Also called: Deafness , autosomal recessive 86; TBC1D24-Related Autosomal Recessive Nonsyndromic Hearing Loss (DFNB). Identifiers: Orphanet 90636, MedGen C2829265, MONDO:0013826, OMIM 614617.

Allele frequency attached by ClinVar (database versions not stated): gnomAD 0.00002 and 0.00003; TOPMed 0.00005; ExAC 0.00008; ESP Exome Variant Server 0.00008.

Submissions 1 to 11 of 13:

Labcorp Genetics (formerly Invitae), Labcorp
Classification: Pathogenic for Developmental and epileptic encephalopathy, 1; Autosomal dominant nonsyndromic hearing loss 65. Last evaluated: 2025-10-15. Review status: criteria provided, single submitter. Criteria: Invitae Variant Classification Sherloc (09022015). Collection method: clinical testing. Allele origin: germline.
Comment: This sequence change replaces glutamic acid, which is acidic and polar, with lysine, which is basic and polar, at codon 153 of the TBC1D24 protein (p.Glu153Lys). This variant is present in population databases (rs376712059, gnomAD 0.01%). This missense change has been observed in individuals with autosomal recessive TBC1D24-related conditions (PMID: 25769375, 26371875, 28428906). It has also been observed to segregate with disease in related individuals. ClinVar contains an entry for this variant (Variation ID: 207499). Invitae Evidence Modeling of protein sequence and biophysical properties (such as structural, functional, and spatial information, amino acid conservation, physicochemical variation, residue mobility, and thermodynamic stability) has been performed for this missense variant. However, the output from this modeling did not meet the statistical confidence thresholds required to predict the impact of this variant on TBC1D24 protein function. For these reasons, this variant has been classified as Pathogenic.

CeGaT Center for Human Genetics Tuebingen
Classification: Likely pathogenic. Last evaluated: 2025-10-01. Review status: criteria provided, single submitter. Criteria: CeGaT Center For Human Genetics Tuebingen Variant Classification Criteria Version 2. Collection method: clinical testing. Allele origin: germline. Affected: yes. Observed: 1 variant allele.
Comment: TBC1D24: PM3:Strong, PM2

GeneDx
Classification: Likely pathogenic. Last evaluated: 2025-05-14. Review status: criteria provided, single submitter. Criteria: GeneDx Variant Classification Process June 2021. Collection method: clinical testing. Allele origin: germline. Affected: yes.
Comment: In silico analysis suggests that this missense variant does not alter protein structure/function; This variant is associated with the following publications: (PMID: 24291220, 27259978, 25769375, 28428906, 32004315, 28292732, 27652284, 27281533, 31216405, 33619735, 34852372, Timpanaro2021[Review], 28726039, 33986365, 35350397, 34926809, 37538433, Mehdaoui2023[casereport], Vetri2024[casereport], 38923778, 26371875)

3billion
Classification: Likely pathogenic for Familial infantile myoclonic epilepsy. Last evaluated: 2025-03-26. Review status: criteria provided, single submitter. Criteria: ACMG Guidelines, 2015. Collection method: clinical testing. Allele origin: germline. Affected: yes.
Comment: The variant is observed at an extremely low frequency in the gnomAD v4.1.0 dataset (total allele frequency: 0.005%). Predicted Consequence/Location: Missense variant. In silico tool predictions suggest damaging effect of the variant on gene or gene product [REVEL: 0.78 (>=0.6, sensitivity 0.68 and specificity 0.92)].The same nucleotide change resulting in the same amino acid change has been previously reported as pathogenic/likely pathogenic with strong evidence (ClinVar ID: VCV000207499 / PMID: 25769375). The variant has been reported to be in trans with a pathogenic variant as either compound heterozygous or homozygous in at least one similarly affected unrelated individual (PMID: 25769375). The variant has been reported to co-segregate with the disease in at least one similarly affected relative/individual in the same family or similarly affected unrelated families (PMID: 25769375). Therefore, this variant is classified as Likely pathogenic according to the recommendation of ACMG/AMP guideline.

Dasa
Classification: Likely pathogenic. Last evaluated: 2025-03-10. Review status: criteria provided, single submitter. Criteria: DASA Assertion Criteria. Collection method: clinical testing. Allele origin: germline.
Comment: NM_001199107.2(TBC1D24):c.457G>A (p.Glu153Lys) is a missense variant that results in the substitution of glutamic acid with lysine. Segregation data support an association with disease in the reported family/families (PMID: 25769375; PMID: 26371875). This variant has been recurrently observed in individuals with TBC1D24-related disorders (PMID: 25769375; PMID: 26371875; PMID: 28428906). Also, this variant is rare in population databases. Computational evidence supports a deleterious effect. Based on the currently available evidence, this variant is classified as likely pathogenic.

Blueprint Genetics
Classification: Pathogenic for TBC1D24-related disorders. Last evaluated: 2024-10-03. Review status: criteria provided, single submitter. Criteria: ACMG Guidelines, 2015. Collection method: clinical testing. Allele origin: germline. Affected: yes. Observed: 5 variant alleles.

Athena Diagnostics
Classification: Likely pathogenic. Last evaluated: 2022-12-13. Review status: criteria provided, single submitter. Criteria: Athena Diagnostics Criteria. Collection method: clinical testing. Allele origin: unknown.
Comment: The frequency of this variant in the general population is consistent with pathogenicity. This variant has been identified in at least one individual with epileptic encephalopathy and appears to segregate with disease in at least one family with infantile myoclonic epilepsy. Computational tools predict that this variant is damaging.

Institute of Human Genetics, University of Leipzig Medical Center
Classification: Likely pathogenic for Developmental and epileptic encephalopathy, 16. Last evaluated: 2022-11-15. Review status: criteria provided, single submitter. Criteria: ACMG Guidelines, 2015. Collection method: clinical testing. Allele origin: maternal. Inheritance: Autosomal recessive inheritance. Affected: yes.
Comment: Criteria applied: PS1,PS4_MOD,PM2_SUP

Revvity Omics, Revvity
Classification: Pathogenic. Last evaluated: 2022-03-14. Review status: criteria provided, single submitter. Criteria: ACMG Guidelines, 2015. Collection method: clinical testing. Allele origin: germline.

Institute of Human Genetics Munich, TUM University Hospital
Classification: Pathogenic for DOORS syndrome. Last evaluated: 2019-06-07. Review status: criteria provided, single submitter. Criteria: Classification criteria August 2017. Collection method: clinical testing. Allele origin: paternal. Inheritance: Autosomal recessive inheritance. Affected: yes. Observed: 1 compound heterozygote.

Baylor Genetics
Classification: Likely pathogenic for DOORS syndrome; Autosomal recessive nonsyndromic hearing loss 86; Autosomal dominant nonsyndromic hearing loss 65; Developmental and epileptic encephalopathy, 16; Familial infantile myoclonic epilepsy. Last evaluated: 2018-10-12. Review status: criteria provided, single submitter. Criteria: ACMG Guidelines, 2015. Collection method: clinical testing. Allele origin: germline. Affected: yes.

NM_001199107.2(TBC1D24):c.457G>A (p.Glu153Lys)

Gene: TBC1D24 (TBC1 domain family member 24; plus strand). Cytogenetic location: 16p13.3.
Variant type: single nucleotide variant.
Coding change: c.457G>A on transcript NM_001199107.2 (MANE Select); coding-DNA position 457, G replaced by A.
Protein change: p.Glu153Lys; replaces glutamic acid 153 with lysine.
Molecular consequence: missense variant.
Genome position (GRCh38, 1-based): chr16:2,496,605, G>A. VCF-style: chr16-2496605-G-A. GRCh37 (hg19) VCF-style: chr16-2546606-G-A.
Other names: p.E153K:GAG>AAG; c.457G>A, p.Glu153Lys (NM_020705.3); short protein forms E153K.
Identifiers: ClinVar variation 207499 (VCV000207499.43), dbSNP rs376712059, ClinGen allele CA319022.